The following is an entry in ClinVar:

NM_052945.4(TNFRSF13C):c.361A>C (p.Lys121Gln)

Gene: TNFRSF13C (TNF receptor superfamily member 13C; minus strand). Cytogenetic location: 22q13.2.
Variant type: single nucleotide variant.
Coding change: c.361A>C on transcript NM_052945.4 (MANE Select); coding-DNA position 361, A replaced by C.
Protein change: p.Lys121Gln; replaces lysine 121 with glutamine.
Molecular consequence: missense variant.
Genome position (GRCh38, 1-based): chr22:41,926,107, T>G on the plus strand (A>C on the coding strand, the complement: TNFRSF13C is on the minus strand). VCF-style: chr22-41926107-T-G. GRCh37 (hg19) VCF-style: chr22-42322111-T-G.
Other names: short protein forms K121Q.
Identifiers: ClinVar variation 4715363 (VCV004715363.1).
Genomic context (GRCh38, chr22:41,926,107, plus strand): 5'-ACACCCCAGCCCCTGCGCCCCGCTCAGACTGGTTCCCCTACACACGGAACTCACCGTCCT[T>G]GTCTCCGTCGGGGGCCTCTGCGGAGGACGCGCCGCGAAGCCGCCGCTGTCGCCGCCTCCA-3'
Protein context (NP_443177.1, residues 111-131): ASSAEAPDGD[Lys121Gln]DAPEPLDKVI

ClinVar aggregate classification (germline): Uncertain significance (1 of 4 stars; one submission).

Conditions:
Immunodeficiency, common variable, 4. Also called: ANTIBODY DEFICIENCY DUE TO BAFFR DEFECT. Identifiers: Orphanet 1572, Orphanet 696925, MedGen C3150739, MONDO:0013284, OMIM 613494.

Submission:

Labcorp Genetics (formerly Invitae), Labcorp
Classification: Uncertain significance for Immunodeficiency, common variable, 4. Last evaluated: 2025-08-07. Review status: criteria provided, single submitter. Criteria: Invitae Variant Classification Sherloc (09022015). Collection method: clinical testing. Allele origin: germline.
Comment: This sequence change replaces lysine, which is basic and polar, with glutamine, which is neutral and polar, at codon 121 of the TNFRSF13C protein (p.Lys121Gln). This variant is not present in population databases (gnomAD no frequency). This variant has not been reported in the literature in individuals affected with TNFRSF13C-related conditions. An algorithm developed to predict the effect of missense changes on protein structure and function outputs the following: PolyPhen-2: "Benign". The glutamine amino acid residue is found in multiple mammalian species, which suggests that this missense change does not adversely affect protein function. In summary, the available evidence is currently insufficient to determine the role of this variant in disease. Therefore, it has been classified as a Variant of Uncertain Significance.